The following is an entry in ClinVar:

ClinVar aggregate classification (germline): Pathogenic (1 of 4 stars; one submission).

Conditions:
Treacher Collins syndrome 1 (TCS1). Also called: TCOF1-Related Treacher Collins Syndrome. Identifiers: Orphanet 861, MedGen CN315775, MONDO:0007944, OMIM 154500.

Submission:

Labcorp Genetics (formerly Invitae), Labcorp
Classification: Pathogenic for Treacher Collins syndrome 1. Last evaluated: 2019-06-05. Review status: criteria provided, single submitter. Criteria: Invitae Variant Classification Sherloc (09022015). Collection method: clinical testing. Allele origin: germline.
Comment: This sequence change creates a premature translational stop signal (p.Asp554Argfs*4) in the TCOF1 gene. It is expected to result in an absent or disrupted protein product. This variant is not present in population databases (ExAC no frequency). This variant has not been reported in the literature in individuals with TCOF1-related conditions. Loss-of-function variants in TCOF1 are known to be pathogenic (PMID: 8894686, 22317976). For these reasons, this variant has been classified as Pathogenic.

Literature cited by the submitters: PubMed 8894686; PubMed 22317976.

NM_001371623.1(TCOF1):c.1659dup (p.Asp554fs)

Gene: TCOF1 (treacle ribosome biogenesis factor 1; plus strand). Cytogenetic location: 5q32.
Variant type: Duplication.
Coding change: c.1659dup on transcript NM_001371623.1 (MANE Select); coding-DNA position 1659, one base duplicated (A; older notation c.1659dupA).
Protein change: p.Asp554fs; shifts the reading frame from aspartic acid 554.
Molecular consequence: frameshift variant.
Genome position (GRCh38, 1-based): chr5:150,375,509, A duplicated. VCF-style (leftmost placement, unchanged base first): chr5-150375508-C-CA. GRCh37 (hg19) VCF-style: chr5-149755071-C-CA.
Other names: c.1428dup, p.Asp477fs (NM_000356.4, NM_001135245.2); c.1659dup, p.Asp554fs (NM_001008657.3, NM_001135243.2, NM_001135244.2 and 1 more transcripts); short protein forms D554fs, D477fs.
Identifiers: ClinVar variation 945790 (VCV000945790.3), dbSNP rs1763559019, ClinGen allele CA1139659197.